The following is an entry in ClinVar:

ClinVar aggregate classification (germline): Uncertain significance (0 of 4 stars; one submission).

Conditions:
CFTR-related disorder (CFTR-RD). Also called: CFTR-related condition; CFTR-related disorders. Identifiers: MedGen C5924204, MONDO:7770004.

Submission:

PreventionGenetics, part of Exact Sciences
Classification: Uncertain significance for CFTR-related condition. Last evaluated: 2024-01-05. Review status: no assertion criteria provided. Collection method: clinical testing. Allele origin: germline.
Comment: The CFTR c.1767-8T>C variant is predicted to interfere with splicing. To our knowledge, this variant has not been reported in the literature or in gnomAD, indicating this variant is rare. At this time, the clinical significance of this variant is uncertain due to the absence of conclusive functional and genetic evidence.

NM_000492.4(CFTR):c.1767-8T>C

Gene: CFTR (CF transmembrane conductance regulator; plus strand). Cytogenetic location: 7q31.2.
Variant type: single nucleotide variant.
Coding change: c.1767-8T>C on transcript NM_000492.4 (MANE Select); 8 bases into the intron before coding-DNA position 1767, T replaced by C.
Molecular consequence: intron variant.
Genome position (GRCh38, 1-based): chr7:117,591,926, T>C. VCF-style: chr7-117591926-T-C. GRCh37 (hg19) VCF-style: chr7-117231980-T-C.
Identifiers: ClinVar variation 3037026 (VCV003037026.2), dbSNP rs2485109050, ClinGen allele CA2684619348.